The following is an entry in ClinVar:

NM_001009999.3(KDM1A):c.1561T>G (p.Leu521Val)

Gene: KDM1A (lysine demethylase 1A; plus strand). Cytogenetic location: 1p36.12.
Variant type: single nucleotide variant.
Coding change: c.1561T>G on transcript NM_001009999.3 (MANE Select); coding-DNA position 1561, T replaced by G.
Protein change: p.Leu521Val; replaces leucine 521 with valine.
Molecular consequence: missense variant.
Genome position (GRCh38, 1-based): chr1:23,072,136, T>G. VCF-style: chr1-23072136-T-G. GRCh37 (hg19) VCF-style: chr1-23398629-T-G.
Other names: c.1489T>G, p.Leu497Val (NM_001363654.2, NM_001410763.1, NM_015013.4); c.1549T>G, p.Leu517Val (NM_001410762.1); short protein forms L497V, L521V, L517V.
Identifiers: ClinVar variation 4042147 (VCV004042147.1).

ClinVar aggregate classification (germline): Uncertain significance (1 of 4 stars; one submission).

Conditions:
Inborn genetic diseases. Identifiers: MedGen C0950123, MeSH D030342.

Submission:

Ambry Genetics
Classification: Uncertain significance for Inborn genetic diseases. Last evaluated: 2025-05-19. Review status: criteria provided, single submitter. Criteria: Ambry Variant Classification Scheme 2023. Collection method: clinical testing. Allele origin: germline.
Comment: The p.L521V variant (also known as c.1561T>G), located in coding exon 14 of the KDM1A gene, results from a T to G substitution at nucleotide position 1561. The leucine at codon 521 is replaced by valine, an amino acid with highly similar properties. This amino acid position is conserved. In addition, this alteration is predicted to be tolerated by in silico analysis. Based on the available evidence, the clinical significance of this variant remains unclear.